The following is an entry in ClinVar:

ClinVar aggregate classification (germline): Pathogenic (1 of 4 stars; one submission).

Submission:

Quest Diagnostics Nichols Institute San Juan Capistrano
Classification: Pathogenic. Last evaluated: 2023-06-05. Review status: criteria provided, single submitter. Criteria: Quest Diagnostics criteria. Collection method: clinical testing. Allele origin: unknown.
Comment: This variant causes the premature termination of AXIN2 protein synthesis. To the best of our knowledge, this variant has not been reported in the published literature. It also has not been reported in large, multi-ethnic general populations (Genome Aggregation Database). Based on the available information, this variant is classified as pathogenic.

NM_004655.4(AXIN2):c.1426C>T (p.Gln476Ter)

Gene: AXIN2 (axin 2; minus strand). Cytogenetic location: 17q24.1.
Variant type: single nucleotide variant.
Coding change: c.1426C>T on transcript NM_004655.4 (MANE Select); coding-DNA position 1426, C replaced by T.
Protein change: p.Gln476Ter; replaces glutamine 476 with a stop codon.
Molecular consequence: nonsense.
Genome position (GRCh38, 1-based): chr17:65,537,610, G>A on the plus strand (C>T on the coding strand, the complement: AXIN2 is on the minus strand). VCF-style: chr17-65537610-G-A. GRCh37 (hg19) VCF-style: chr17-63533728-G-A.
Other names: c.1426C>T, p.Gln476Ter (NM_001363813.1); short protein forms Q476*.
Identifiers: ClinVar variation 2682047 (VCV002682047.1), dbSNP rs2144463053, ClinGen allele CA400677526.
Genomic context (GRCh38, chr17:65,537,610, plus strand): 5'-CGCCCGGCGAGGCGGCCGCGGGAGGCAGCTTGCCACCGGGCGGGAGCAGGGAGTGGTACT[G>A]CGAATGGTGGTGGTGGTGGTGGTCCGGGGAGCGGGAGCGGGGGCTATAGCGGCCTACGCC-3'